The following is an entry in ClinVar:

NM_024870.4(PREX2):c.2027+10A>G

Gene: PREX2 (phosphatidylinositol-3,4,5-trisphosphate dependent Rac exchange factor 2; plus strand). Cytogenetic location: 8q13.2.
Variant type: single nucleotide variant.
Coding change: c.2027+10A>G on transcript NM_024870.4 (MANE Select); 10 bases into the intron after coding-DNA position 2027, A replaced by G.
Molecular consequence: intron variant.
Genome position (GRCh38, 1-based): chr8:68,083,398, A>G. VCF-style: chr8-68083398-A-G. GRCh37 (hg19) VCF-style: chr8-68995633-A-G.
Other names: c.2027+10A>G (NM_025170.6).
Identifiers: ClinVar variation 3059825 (VCV003059825.2), dbSNP rs1030753, ClinGen allele CA4773799.

ClinVar aggregate classification (germline): Benign (0 of 4 stars; one submission).

Conditions:
PREX2-related disorder. Also called: PREX2-related condition.

Allele frequency attached by ClinVar (database versions not stated): 1000 Genomes Project 30x 0.52202; 1000 Genomes Project 0.52216; TOPMed 0.52455; ExAC 0.52518; gnomAD 0.53381; gnomAD exomes 0.54059; ESP Exome Variant Server 0.54213.
gnomAD v4.1: 853,088 of 1,581,266 alleles (54%); highest among the groups gnomAD compares: South Asian, 56%; 231,563 homozygotes.

Submission:

PreventionGenetics, part of Exact Sciences
Classification: Benign for PREX2-related condition. Last evaluated: 2019-10-21. Review status: no assertion criteria provided. Collection method: clinical testing. Allele origin: germline.
Comment: This variant is classified as benign based on ACMG/AMP sequence variant interpretation guidelines (Richards et al. 2015 PMID: 25741868, with internal and published modifications).